The following is an entry in ClinVar:

ClinVar aggregate classification (germline): Uncertain significance. Review status: criteria provided, multiple submitters, no conflicts (2 of 4 stars). 2 submissions from 2 submitters: Uncertain significance (2). Last evaluated 2025-03-20.

Conditions:
Early-infantile DEE. Also called: Early infantile epileptic encephalopathy with suppression bursts; Early infantile epileptic encephalopathy; Ohtahara syndrome. Identifiers: Orphanet 1934, MedGen C0393706, MONDO:0800491.

Submissions (2):

Labcorp Genetics (formerly Invitae), Labcorp
Classification: Uncertain significance for Early-infantile DEE. Last evaluated: 2025-03-20. Review status: criteria provided, single submitter. Criteria: Invitae Variant Classification Sherloc (09022015). Collection method: clinical testing. Allele origin: germline.
Comment: This sequence change replaces leucine, which is neutral and non-polar, with serine, which is neutral and polar, at codon 1341 of the SCN1A protein (p.Leu1341Ser). This variant is not present in population databases (gnomAD no frequency). This variant has not been reported in the literature in individuals affected with SCN1A-related conditions. Invitae Evidence Modeling of protein sequence and biophysical properties (such as structural, functional, and spatial information, amino acid conservation, physicochemical variation, residue mobility, and thermodynamic stability) indicates that this missense variant is expected to disrupt SCN1A protein function with a positive predictive value of 95%. In summary, the available evidence is currently insufficient to determine the role of this variant in disease. Therefore, it has been classified as a Variant of Uncertain Significance.

Blueprint Genetics
Classification: Uncertain significance. Last evaluated: 2023-07-10. Review status: criteria provided, single submitter. Criteria: ACMG Guidelines, 2015. Collection method: clinical testing. Allele origin: germline.

NM_001165963.4(SCN1A):c.4022T>C (p.Leu1341Ser)

Genes: SCN1A (sodium voltage-gated channel alpha subunit 1; minus strand), LOC102724058 (uncharacterized LOC102724058; plus strand). Cytogenetic location: 2q24.3.
Variant type: single nucleotide variant.
Coding change: c.4022T>C on transcript NM_001165963.4 (MANE Select); coding-DNA position 4022, T replaced by C.
Protein change: p.Leu1341Ser; replaces leucine 1341 with serine.
Molecular consequence: missense variant. On other transcripts: non-coding transcript variant (1).
Genome position (GRCh38, 1-based): chr2:166,002,734, A>G on the plus strand (T>C on the coding strand, the complement: SCN1A is on the minus strand). VCF-style: chr2-166002734-A-G. GRCh37 (hg19) VCF-style: chr2-166859244-A-G.
Other names: c.3938T>C, p.Leu1313Ser (NM_001165964.3, NM_001353957.2, NM_001353958.2); c.4022T>C, p.Leu1341Ser (NM_001202435.3, NM_001353948.2); c.3989T>C, p.Leu1330Ser (NM_001353949.2, NM_001353950.2, NM_001353951.2 and 2 more transcripts); c.3986T>C, p.Leu1329Ser (NM_001353954.2, NM_001353955.2); c.3935T>C, p.Leu1312Ser (NM_001353960.2); c.1580T>C, p.Leu527Ser (NM_001353961.2); short protein forms L1330S, L1329S, L527S, L1312S, L1341S, L1313S.
Identifiers: ClinVar variation 3692014 (VCV003692014.3).